The following is an entry in ClinVar:

NM_001271.4(CHD2):c.1916A>G (p.Asn639Ser)

Gene: CHD2 (chromodomain helicase DNA binding protein 2; plus strand). Cytogenetic location: 15q26.1.
Variant type: single nucleotide variant.
Coding change: c.1916A>G on transcript NM_001271.4 (MANE Select); coding-DNA position 1916, A replaced by G.
Protein change: p.Asn639Ser; replaces asparagine 639 with serine.
Molecular consequence: missense variant.
Genome position (GRCh38, 1-based): chr15:92,956,565, A>G. VCF-style: chr15-92956565-A-G. GRCh37 (hg19) VCF-style: chr15-93499795-A-G.
Other names: short protein forms N639S.
Identifiers: ClinVar variation 2000789 (VCV002000789.4), dbSNP rs2505488440, ClinGen allele CA393906426.
Genomic context (GRCh38, chr15:92,956,565, plus strand): 5'-CCCATCGGTTGAAGAATGATGACTCTTTATTGTATAAAACTCTGATTGATTTCAAGTCCA[A>G]CCATAGGCTCCTGATTACGGGGACCCCTCTTCAGAATTCCCTCAAAGAGCTCTGGTCCTT-3'
Protein context (NP_001262.3, residues 629-649): LYKTLIDFKS[Asn639Ser]HRLLITGTPL

ClinVar aggregate classification (germline): Uncertain significance (1 of 4 stars; one submission).

Conditions:
Developmental and epileptic encephalopathy 94 (DEE94). Also called: CHD2-Related Neurodevelopmental Disorders; Epileptic encephalopathy, childhood-onset. Identifiers: Orphanet 1942, Orphanet 2382, MedGen C3809278, MONDO:0014150, OMIM 615369.

Submission:

Labcorp Genetics (formerly Invitae), Labcorp
Classification: Uncertain significance for Developmental and epileptic encephalopathy 94. Last evaluated: 2022-10-08. Review status: criteria provided, single submitter. Criteria: Invitae Variant Classification Sherloc (09022015). Collection method: clinical testing. Allele origin: germline.
Comment: Advanced modeling of protein sequence and biophysical properties (such as structural, functional, and spatial information, amino acid conservation, physicochemical variation, residue mobility, and thermodynamic stability) performed at Invitae indicates that this missense variant is not expected to disrupt CHD2 protein function. This sequence change replaces asparagine, which is neutral and polar, with serine, which is neutral and polar, at codon 639 of the CHD2 protein (p.Asn639Ser). This variant is not present in population databases (gnomAD no frequency). This variant has not been reported in the literature in individuals affected with CHD2-related conditions. In summary, the available evidence is currently insufficient to determine the role of this variant in disease. Therefore, it has been classified as a Variant of Uncertain Significance.